The following is an entry in ClinVar:

ClinVar aggregate classification (germline): Benign (0 of 4 stars; one submission).

Conditions:
MYO16-related disorder. Also called: MYO16-related condition.

Allele frequency attached by ClinVar (database versions not stated): ESP Exome Variant Server 0.30208; gnomAD 0.31651; 1000 Genomes Project 0.31949; 1000 Genomes Project 30x 0.31949; TOPMed 0.32059; ExAC 0.36786.
gnomAD v4.1: 568,234 of 1,606,088 alleles (35%); highest among the groups gnomAD compares: Admixed American, 45%; 102,395 homozygotes.

Submission:

PreventionGenetics, part of Exact Sciences
Classification: Benign for MYO16-related condition. Last evaluated: 2020-09-17. Review status: no assertion criteria provided. Collection method: clinical testing. Allele origin: germline.
Comment: This variant is classified as benign based on ACMG/AMP sequence variant interpretation guidelines (Richards et al. 2015 PMID: 25741868, with internal and published modifications).

NM_001198950.3(MYO16):c.4051+8C>T

Gene: MYO16 (myosin XVI; plus strand). Cytogenetic location: 13q33.3.
Variant type: single nucleotide variant.
Coding change: c.4051+8C>T on transcript NM_001198950.3 (MANE Select); 8 bases into the intron after coding-DNA position 4051, C replaced by T.
Molecular consequence: intron variant.
Genome position (GRCh38, 1-based): chr13:109,127,558, C>T. VCF-style: chr13-109127558-C-T. GRCh37 (hg19) VCF-style: chr13-109779906-C-T.
Other names: c.3985+8C>T (NM_015011.3).
Identifiers: ClinVar variation 3060429 (VCV003060429.2), dbSNP rs3815983, ClinGen allele CA7045583.